The following is an entry in ClinVar:

NM_000231.3(SGCG):c.298-2A>G

Gene: SGCG (sarcoglycan gamma; plus strand). Cytogenetic location: 13q12.12.
Variant type: single nucleotide variant.
Coding change: c.298-2A>G on transcript NM_000231.3 (MANE Select); the canonical splice acceptor site of the intron before coding-DNA position 298, A replaced by G.
Molecular consequence: splice acceptor variant.
Genome position (GRCh38, 1-based): chr13:23,250,628, A>G. VCF-style: chr13-23250628-A-G. GRCh37 (hg19) VCF-style: chr13-23824767-A-G.
Other names: c.352-2A>G (NM_001378244.1); c.298-2A>G (NM_001378245.1, NM_001378246.1, NM_000231.2).
Identifiers: ClinVar variation 2678714 (VCV002678714.5), dbSNP rs1555240119, ClinGen allele CA387501516.

ClinVar aggregate classification (germline): Pathogenic/Likely pathogenic. Review status: criteria provided, multiple submitters, no conflicts (2 of 4 stars). 3 submissions from 3 submitters: Pathogenic (1); Likely pathogenic (2). Last evaluated 2024-05-08.

Conditions:
Autosomal recessive limb-girdle muscular dystrophy type 2C (LGMDR5). Also called: MUSCULAR DYSTROPHY, DUCHENNE-LIKE; MUSCULAR DYSTROPHY, LIMB-GIRDLE, AUTOSOMAL RECESSIVE 5. Identifiers: Orphanet 353, MedGen C0410173, MONDO:0009677, OMIM 253700. Disease mechanism: Affects gamma-sarcoglycan and also disrupts the integrity of the entire sarcoglycan complex..

Submissions (3):

Natera, Inc.
Classification: Likely pathogenic for Limb-girdle muscular dystrophy type 2C. Last evaluated: 2024-05-08. Review status: criteria provided, single submitter. Criteria: Natera Variant Classification Schema (03/2026). Collection method: clinical testing. Allele origin: germline.
Comment: The c.298-2A>G variant in SGCG is a canonical splice acceptor site variant predicted to affect pre-mRNA splicing, which may result in an abnormal transcript and altered protein product. This variant is expected to result in nonsense mediated decay, truncation, or a dysfunctional protein product. This variant is rare in the general population with a frequency below the threshold expected for the associated phenotype(s). Given the available evidence, this variant is classified as Likely Pathogenic.

Labcorp Genetics (formerly Invitae), Labcorp
Classification: Pathogenic for Autosomal recessive limb-girdle muscular dystrophy type 2C. Last evaluated: 2024-01-03. Review status: criteria provided, single submitter. Criteria: Invitae Variant Classification Sherloc (09022015). Collection method: clinical testing. Allele origin: germline.
Comment: This sequence change affects an acceptor splice site in intron 3 of the SGCG gene. It is expected to disrupt RNA splicing. Variants that disrupt the donor or acceptor splice site typically lead to a loss of protein function (PMID: 16199547), and loss-of-function variants in SGCG are known to be pathogenic (PMID: 18285821). This variant is not present in population databases (gnomAD no frequency). Disruption of this splice site has been observed in individual(s) with SGCG-related disease (PMID: 23929688). In at least one individual the data is consistent with being in trans (on the opposite chromosome) from a pathogenic variant. Algorithms developed to predict the effect of sequence changes on RNA splicing suggest that this variant may disrupt the consensus splice site. For these reasons, this variant has been classified as Pathogenic.

Baylor Genetics
Classification: Likely pathogenic for Autosomal recessive limb-girdle muscular dystrophy type 2C. Last evaluated: 2022-01-20. Review status: criteria provided, single submitter. Criteria: ACMG Guidelines, 2015. Collection method: clinical testing. Allele origin: unknown.

Literature cited by the submitters: PubMed 16199547 (cited by Labcorp Genetics (formerly Invitae), Labcorp); PubMed 18285821 (cited by Labcorp Genetics (formerly Invitae), Labcorp); PubMed 23929688 (cited by Labcorp Genetics (formerly Invitae), Labcorp).